The following is an entry in ClinVar:

NM_138927.4(SON):c.2398TCCATGGACTCCCAGATGTTAGCAACCAGC[3] (p.800SMDSQMLATS[3])

Gene: SON (SON DNA and RNA binding protein; plus strand). Cytogenetic location: 21q22.11.
Variant type: Microsatellite.
Coding change: c.2398TCCATGGACTCCCAGATGTTAGCAACCAGC[3] on transcript NM_138927.4 (MANE Select); three copies in a row of the 30-base unit TCCATGGACTCCCAGATGTTAGCAACCAGC starting at c.2398; the reference has four copies in a row; one copy, 30 bases deleted.
Protein change: p.800SMDSQMLATS[3].
Molecular consequence: non-coding transcript variant (on NR_103797.2). On other transcripts: intron variant (1).
Genome position (GRCh38, 1-based): chr21:33,551,719-33,551,748, TCCATGGACTCCCAGATGTTAGCAACCAGC deleted; deleting any 30 consecutive bases within chr21:33,551,629-33,551,748 gives the same sequence; the position shown is the placement nearest the transcript's 3' end. VCF-style (leftmost placement, unchanged base first): chr21-33551628-TTCCATGGACTCCCAGATGTTAGCAACCAGC-T. GRCh37 (hg19) VCF-style: chr21-34923934-TTCCATGGACTCCCAGATGTTAGCAACCAGC-T.
Other names: c.2488_2517del30 (NM_138927.4); c.2398TCCATGGACTCCCAGATGTTAGCAACCAGC[3], p.800SMDSQMLATS[3] (NM_001291411.2, NM_032195.3); c.244+5250TCCATGGACTCCCAGATGTTAGCAACCAGC[3] (NM_001291412.3).
Identifiers: ClinVar variation 4847436 (VCV004847436.1).
Genomic context (GRCh38, chr21:33,551,628, plus strand): 5'-CTCCATGGACTCCCAGATGTTAGCAACTAGCACTATGGACTCCCAGATGTTAGCAACCAG[TTCCATGGACTCCCAGATGTTAGCAACCAGC>T]TCCATGGACTCCCAGATGTTAGCAACCAGCTCCATGGACTCCCAGATGTTAGCAACCAGC-3'

ClinVar aggregate classification (germline): Uncertain significance (1 of 4 stars; one submission).

Submission:

Women's Health and Genetics/Laboratory Corporation of America, LabCorp
Classification: Uncertain significance. Last evaluated: 2026-03-06. Review status: criteria provided, single submitter. Criteria: LabCorp Variant Classification Summary - May 2015. Collection method: clinical testing. Allele origin: germline.
Comment: Variant summary: SON c.2488_2517del30 (p.Ser830_Ser839del) results in an in-frame deletion that is predicted to remove ten amino acids from the encoded protein. The variant was absent in 231690 control chromosomes. The available data on variant occurrences in the general population are insufficient to allow any conclusion about variant significance. To our knowledge, no occurrence of c.2488_2517del30 in individuals affected with SON-related conditions and no experimental evidence demonstrating its impact on protein function have been reported. No submitters have cited clinical-significance assessments for this variant to ClinVar. Based on the evidence outlined above, the variant was classified as uncertain significance.